The following is an entry in ClinVar:

GRCh38/hg38 18p11.32-11.31(chr18:53344-7029134)x1

Genes: ADCYAP1 (adenylate cyclase activating polypeptide 1; plus strand), AKAIN1 (A-kinase anchor inhibitor 1; minus strand), ARHGAP28 (Rho GTPase activating protein 28; plus strand), ARHGAP28-AS1 (ARHGAP28 antisense RNA 1; minus strand), CETN1 (centrin 1; plus strand) and 159 more. Cytogenetic location: 18p11.32-11.31.
Variant type: copy number loss.
Change: copy number 1 (one copy instead of two) of chr18:53,344-7,029,134 (6.98 Mb, GRCh38 coordinates, 1-based), cytogenetic band 18p11.32-11.31.
Identifiers: ClinVar variation 59612 (VCV000059612.2).

ClinVar aggregate classification (germline): Pathogenic (1 of 4 stars; one submission).

Submission:

ISCA Site 6
Classification: Pathogenic. Last evaluated: 2011-08-12. Review status: criteria provided, single submitter. Criteria: Kaminsky et al. (Genet Med. 2011). Collection method: clinical testing. Allele origin: maternal. Affected: yes. Observed: 1 variant allele.
Comment: Copy number variation identified through the course of routine clinical cytogenomic testing in postnatal populations. Clinical assertions have been curated as described in Kaminsky et al. 2011.